The following is an entry in ClinVar:

NM_000037.4(ANK1):c.1603-6C>T

Gene: ANK1 (ankyrin 1; minus strand). Cytogenetic location: 8p11.21.
Variant type: single nucleotide variant.
Coding change: c.1603-6C>T on transcript NM_000037.4 (MANE Select); 6 bases into the intron before coding-DNA position 1603, C replaced by T.
Molecular consequence: intron variant.
Genome position (GRCh38, 1-based): chr8:41,715,080, G>A on the plus strand (C>T on the coding strand, the complement: ANK1 is on the minus strand). VCF-style: chr8-41715080-G-A. GRCh37 (hg19) VCF-style: chr8-41572598-G-A.
Other names: c.1702-6C>T (NM_001142446.2); c.1603-6C>T (NM_020477.3, NM_020475.3, NM_020476.3).
Identifiers: ClinVar variation 1664885 (VCV001664885.25), dbSNP rs751217909, ClinGen allele CA4728552.

ClinVar aggregate classification (germline): Likely benign. Review status: criteria provided, multiple submitters, no conflicts (2 of 4 stars). 3 submissions from 3 submitters: Likely benign (3). Last evaluated 2025-10-27.

Allele frequency attached by ClinVar (database versions not stated): TOPMed 0.00006; gnomAD 0.00007 and 0.00011; gnomAD exomes 0.00012 and 0.00024; ExAC 0.00030.
gnomAD v4.1: 195 of 1,613,988 alleles (0.012%); highest among the groups gnomAD compares: Middle Eastern, 0.22%; 2 homozygotes.

Submissions (3):

Labcorp Genetics (formerly Invitae), Labcorp
Classification: Likely benign. Last evaluated: 2025-10-27. Review status: criteria provided, single submitter. Criteria: Invitae Variant Classification Sherloc (09022015). Collection method: clinical testing. Allele origin: germline.

CeGaT Center for Human Genetics Tuebingen
Classification: Likely benign. Last evaluated: 2024-08-01. Review status: criteria provided, single submitter. Criteria: CeGaT Center For Human Genetics Tuebingen Variant Classification Criteria Version 2. Collection method: clinical testing. Allele origin: germline. Affected: yes. Observed: 1 variant allele.
Comment: ANK1: BP4

Blueprint Genetics
Classification: Likely benign. Last evaluated: 2024-04-10. Review status: criteria provided, single submitter. Criteria: ACMG Guidelines, 2015. Collection method: clinical testing. Allele origin: germline.